The following is an entry in ClinVar:

ClinVar aggregate classification (germline): Uncertain significance (1 of 4 stars; one submission).

gnomAD v4.1: 6 of 1,614,202 alleles (0.00037%); highest among the groups gnomAD compares: Non-Finnish European, 0.00042%; no homozygotes.

Submission:

Women's Health and Genetics/Laboratory Corporation of America, LabCorp
Classification: Uncertain significance. Last evaluated: 2025-09-23. Review status: criteria provided, single submitter. Criteria: LabCorp Variant Classification Summary - May 2015. Collection method: clinical testing. Allele origin: germline.
Comment: Variant summary: COL4A1 c.3608C>G (p.Pro1203Arg) results in a non-conservative amino acid change in the encoded protein sequence. Algorithms developed to predict the effect of missense changes on protein structure and function all suggest that this variant is likely to be disruptive. The variant was absent in 249828 control chromosomes. The available data on variant occurrences in the general population are insufficient to allow any conclusion about variant significance. To our knowledge, no occurrence of c.3608C>G in individuals affected with COL4A1-related conditions and no experimental evidence demonstrating its impact on protein function have been reported. No submitters have cited clinical-significance assessments for this variant to ClinVar. Based on the evidence outlined above, the variant was classified as uncertain significance.

NM_001845.6(COL4A1):c.3608C>G (p.Pro1203Arg)

Gene: COL4A1 (collagen type IV alpha 1 chain; minus strand). Cytogenetic location: 13q34.
Variant type: single nucleotide variant.
Coding change: c.3608C>G on transcript NM_001845.6 (MANE Select); coding-DNA position 3608, C replaced by G.
Protein change: p.Pro1203Arg; replaces proline 1203 with arginine.
Molecular consequence: missense variant.
Genome position (GRCh38, 1-based): chr13:110,170,681, G>C on the plus strand (C>G on the coding strand, the complement: COL4A1 is on the minus strand). VCF-style: chr13-110170681-G-C. GRCh37 (hg19) VCF-style: chr13-110823028-G-C.
Other names: short protein forms P1203R.
Identifiers: ClinVar variation 4536063 (VCV004536063.1).